The following continues an entry in ClinVar:

NM_000297.4(PKD2):c.1081C>T (p.Arg361Ter)

Gene: PKD2. ClinVar aggregate classification (germline): Pathogenic/Likely pathogenic. Pathogenic (14); Likely pathogenic (1).

Submissions 13 to 16 of 16:

ARUP Laboratories, Molecular Genetics and Genomics, ARUP Laboratories
Classification: Pathogenic for Polycystic kidney disease 2. Last evaluated: 2018-12-30. Review status: criteria provided, single submitter. Criteria: ARUP Molecular Germline Variant Investigation Process. Collection method: clinical testing. Allele origin: germline.
Comment: The PKD2 c.1081C>T; p.Arg361Ter variant has been described in multiple individuals affected with autosomal dominant polycystic kidney disease (ADPKD; see link to Mayo ADPKD database, Chung 2006, Jin 2016, Paavola 2013, Robinson 2012). It is absent from general population databases (1000 Genomes Project, Exome Variant Server, and Genome Aggregation Database), indicating it is not a common polymorphism. This variant induces an early termination codon and is predicted to result in a truncated protein or mRNA subject to nonsense-mediated decay. Based on available information, this variant is considered pathogenic. REFERENCES Link to Mayo ADPKD database: Chung W et al. PKD2 gene mutation analysis in Korean autosomal dominant polycystic kidney disease patients using two-dimensional gene scanning. Clin Genet. 2006 Dec;70(6):502-8. Jin M et al. System analysis of gene mutations and clinical phenotype in Chinese patients with autosomal-dominant polycystic kidney disease. Sci Rep. 2016 Oct 26;6:35945. Paavola J et al. Polycystin-2 mutations lead to impaired calcium cycling in the heart and predispose to dilated cardiomyopathy. J Mol Cell Cardiol. 2013 May;58:199-208. Robinson C et al. Clinical utility of PKD2 mutation testing in a polycystic kidney disease cohort attending a specialist nephrology out-patient clinic. BMC Nephrol. 2012; 13: 79.

Juno Genomics, Hangzhou Juno Genomics, Inc
Classification: Pathogenic for Polycystic kidney disease 2. Review status: criteria provided, single submitter. Criteria: ACMG Guidelines, 2015. Collection method: clinical testing. Allele origin: germline. Affected: yes.
Comment: Absent from controls (or at extremely low frequency if recessive) in Genome Aggregation Database, Exome Sequencing Project, 1000 Genomes Project, or Exome Aggregation Consortium.;Null variant in a gene where loss of function (LOF) is a known mechanism of disease.;The prevalence of the variant in affected individuals is significantly increased compared to the prevalence in controls.;Patient's phenotype or family history is highly specific for a disease with a single genetic etiology.

Lifecell International Pvt. Ltd
Classification: Likely pathogenic for Polycystic kidney disease 2. Review status: criteria provided, single submitter. Criteria: ACMG Guidelines, 2015. Collection method: clinical testing. Allele origin: germline. Inheritance: Autosomal dominant inheritance. Affected: yes. Observed: 1 heterozygote.
Comment: A Heterozygous Nonsense variant c.1081C>T in Exon 4 of the PKD2 gene that results in the amino acid substitution p.Arg361* was identified. The observed variant is novel in gnomAD exomes and genomes. The severity of the impact of this variant on the protein is high, based on the effect of the protein and REVEL score . Rare Exome Variant Ensemble Learner (REVEL) is an ensembl method for predicting the pathogenicity of missense variants based on a combination of scores from 13 individual tools: MutPred, FATHMM v2.3, VEST 3.0, PolyPhen-2, SIFT, PROVEAN, MutationAssessor, MutationTaster, LRT, GERP++, SiPhy, phyloP, and phastCons. The REVEL score for an individual missense variant can range from 0 to 1, with higher scores reflecting greater likelihood that the variant is disease-causing. ClinVar has also classified this variant as Pathogenic [Variation ID:636770]. For these reasons, this variant has been classified as Likely Pathogenic.

Department of Pathology and Laboratory Medicine, Sinai Health System
Classification: Pathogenic for Polycystic Kidney disease. Review status: no assertion criteria provided. Collection method: clinical testing. Allele origin: unknown. Affected: yes. Study: The Canadian Open Genetics Repository (COGR). Not counted in ClinVar's aggregate classification.
Comment: The PKD2 p.Arg361* variant was identified in 8 of 2162 proband chromosomes (frequency: 0.004) from individuals or families with autosomal dominant polycystic kidney disease (Audrezet 2012, Chung 2006, Jin 2016, Robinson 2012). The variant was also identified in LOVD 3.0 (1x) and the ADPKD Mutation Database (as definitely pathogenic). The variant was not identified in dbSNP, ClinVar, or PKD1-LOVD. The variant was not identified in the following control databases: the Exome Aggregation Consortium (August 8th 2016) or the Genome Aggregation Database (Feb 27, 2017). The p.Arg361* variant leads to a premature stop codon at position 361, which is predicted to lead to a truncated or absent protein and loss of function. Loss of function variants of the PKD2 gene are an established mechanism of disease in ADPKD and is the type of variant expected to cause the disorder. In summary, based on the above information, this variant meets our laboratoryâ€šÃ„Ã´s criteria to be classified as pathogenic.

Literature cited by the submitters: PubMed 23376035 (cited by Ambry Genetics and Labcorp Genetics (formerly Invitae), Labcorp); PubMed 33141305 (cited by Ambry Genetics); PubMed 33168999 (cited by Ambry Genetics); PubMed 34101167 (cited by Ambry Genetics); PubMed 36186434 (cited by Ambry Genetics); PubMed 38971859 (cited by Ambry Genetics); PubMed 17582161 (cited by Labcorp Genetics (formerly Invitae), Labcorp); PubMed 22863349 (cited by Labcorp Genetics (formerly Invitae), Labcorp); PubMed 31740684 (cited by Labcorp Genetics (formerly Invitae), Labcorp); PubMed 28356211 (cited by Women's Health and Genetics/Laboratory Corporation of America, LabCorp).